The following is an entry in ClinVar:

NM_001330700.2(TOP2B):c.2003C>A (p.Ala668Asp)

Gene: TOP2B (DNA topoisomerase II beta; minus strand). Cytogenetic location: 3p24.2.
Variant type: single nucleotide variant.
Coding change: c.2003C>A on transcript NM_001330700.2 (MANE Select); coding-DNA position 2003, C replaced by A.
Protein change: p.Ala668Asp; replaces alanine 668 with aspartic acid.
Molecular consequence: missense variant.
Genome position (GRCh38, 1-based): chr3:25,627,200, G>T on the plus strand (C>A on the coding strand, the complement: TOP2B is on the minus strand). VCF-style: chr3-25627200-G-T. GRCh37 (hg19) VCF-style: chr3-25668691-G-T.
Other names: c.1988C>A, p.Ala663Asp (NM_001068.3); short protein forms A663D, A668D.
Identifiers: ClinVar variation 3645335 (VCV003645335.2).

ClinVar aggregate classification (germline): Uncertain significance (1 of 4 stars; one submission).

gnomAD v4.1: 9 of 1,598,034 alleles (0.00056%); highest among the groups gnomAD compares: Non-Finnish European, 0.00077%; no homozygotes.

Submission:

Labcorp Genetics (formerly Invitae), Labcorp
Classification: Uncertain significance. Last evaluated: 2025-11-01. Review status: criteria provided, single submitter. Criteria: Invitae Variant Classification Sherloc (09022015). Collection method: clinical testing. Allele origin: germline.
Comment: This sequence change replaces alanine, which is neutral and non-polar, with aspartic acid, which is acidic and polar, at codon 663 of the TOP2B protein (p.Ala663Asp). This variant is present in population databases (rs766974741, gnomAD 0.002%). This variant has not been reported in the literature in individuals affected with TOP2B-related conditions. ClinVar contains an entry for this variant (Variation ID: 3645335). An algorithm developed to predict the effect of missense changes on protein structure and function (PolyPhen-2) suggests that this variant is likely to be tolerated. In summary, the available evidence is currently insufficient to determine the role of this variant in disease. Therefore, it has been classified as a Variant of Uncertain Significance.